The following is an entry in ClinVar:

NM_001369.3(DNAH5):c.12404A>G (p.His4135Arg)

Gene: DNAH5 (dynein axonemal heavy chain 5; minus strand). Cytogenetic location: 5p15.2.
Variant type: single nucleotide variant.
Coding change: c.12404A>G on transcript NM_001369.3 (MANE Select); coding-DNA position 12404, A replaced by G.
Protein change: p.His4135Arg; replaces histidine 4135 with arginine.
Molecular consequence: missense variant.
Genome position (GRCh38, 1-based): chr5:13,718,977, T>C on the plus strand (A>G on the coding strand, the complement: DNAH5 is on the minus strand). VCF-style: chr5-13718977-T-C. GRCh37 (hg19) VCF-style: chr5-13719086-T-C.
Other names: short protein forms H4135R.
Identifiers: ClinVar variation 2075134 (VCV002075134.1), dbSNP rs1744680585, ClinGen allele CA359210316.

ClinVar aggregate classification (germline): Uncertain significance (1 of 4 stars; one submission).

Conditions:
Primary ciliary dyskinesia. Also called: Ciliary dyskinesia. Identifiers: Orphanet 244, MedGen C0008780, MONDO:0016575, HP:0012265.

Allele frequency attached by ClinVar (database versions not stated): gnomAD exomes 0.00001; TOPMed 0.00001.
gnomAD v4.1: 3 of 1,614,186 alleles (0.00019%); highest among the groups gnomAD compares: Non-Finnish European, 0.00025%; no homozygotes.

Submission:

Labcorp Genetics (formerly Invitae), Labcorp
Classification: Uncertain significance for Primary ciliary dyskinesia. Last evaluated: 2022-04-25. Review status: criteria provided, single submitter. Criteria: Invitae Variant Classification Sherloc (09022015). Collection method: clinical testing. Allele origin: germline.
Comment: This sequence change replaces histidine, which is basic and polar, with arginine, which is basic and polar, at codon 4135 of the DNAH5 protein (p.His4135Arg). This variant is not present in population databases (gnomAD no frequency). This variant has not been reported in the literature in individuals affected with DNAH5-related conditions. Advanced modeling of protein sequence and biophysical properties (such as structural, functional, and spatial information, amino acid conservation, physicochemical variation, residue mobility, and thermodynamic stability) performed at Invitae indicates that this missense variant is not expected to disrupt DNAH5 protein function. In summary, the available evidence is currently insufficient to determine the role of this variant in disease. Therefore, it has been classified as a Variant of Uncertain Significance.